The following is an entry in ClinVar:

ClinVar aggregate classification (germline): Uncertain significance. Review status: criteria provided, multiple submitters, no conflicts (2 of 4 stars). 5 submissions from 5 submitters: Uncertain significance (4). 1 of the submissions does not count toward it. Last evaluated 2024-08-12.

Conditions:
Fanconi anemia (FA). Also called: Fanconi's anemia. Identifiers: Orphanet 84, MedGen C0015625, MeSH D005199, MONDO:0019391.
Fanconi anemia complementation group A (FANCA). Also called: FANCA-Related Fanconi Anemia; Fanconi anemia, group A. Identifiers: Orphanet 84, MedGen C3469521, MONDO:0009215, OMIM 227650.

Allele frequency attached by ClinVar (database versions not stated): ExAC 0.00001; gnomAD 0.00001; TOPMed 0.00002.

Submissions (5):

Quest Diagnostics Nichols Institute San Juan Capistrano
Classification: Uncertain significance. Last evaluated: 2024-08-12. Review status: criteria provided, single submitter. Criteria: Quest Diagnostics criteria. Collection method: clinical testing. Allele origin: unknown.
Comment: The FANCA c.3230T>A (p.Met1077Lys) variant has not been reported in the published literature. The frequency of this variant in the general population, 0.00048 (5/10340 chromosomes (Genome Aggregation Database)), is uninformative in the assessment of its pathogenicity. Analysis of this variant using bioinformatics tools for the prediction of the effect of amino acid changes on protein structure and function yielded predictions that this variant is benign. Based on the available information, we are unable to determine the clinical significance of this variant.

Fulgent Genetics
Classification: Uncertain significance for Fanconi anemia complementation group A. Last evaluated: 2024-02-05. Review status: criteria provided, single submitter. Criteria: ACMG Guidelines, 2015. Collection method: clinical testing. Allele origin: germline.

Labcorp Genetics (formerly Invitae), Labcorp
Classification: Uncertain significance for Fanconi anemia. Last evaluated: 2022-07-16. Review status: criteria provided, single submitter. Criteria: Invitae Variant Classification Sherloc (09022015). Collection method: clinical testing. Allele origin: germline.
Comment: This sequence change replaces methionine, which is neutral and non-polar, with lysine, which is basic and polar, at codon 1077 of the FANCA protein (p.Met1077Lys). This variant is present in population databases (rs776603588, gnomAD 0.04%). This variant has not been reported in the literature in individuals affected with FANCA-related conditions. ClinVar contains an entry for this variant (Variation ID: 579909). Advanced modeling of protein sequence and biophysical properties (such as structural, functional, and spatial information, amino acid conservation, physicochemical variation, residue mobility, and thermodynamic stability) performed at Invitae indicates that this missense variant is not expected to disrupt FANCA protein function. In summary, the available evidence is currently insufficient to determine the role of this variant in disease. Therefore, it has been classified as a Variant of Uncertain Significance.

Institute for Clinical Genetics, University Hospital TU Dresden, University Hospital TU Dresden
Classification: Uncertain significance. Last evaluated: 2021-11-03. Review status: criteria provided, single submitter. Criteria: ACMG Guidelines, 2015. Collection method: clinical testing. Allele origin: germline.

Natera, Inc.
Classification: Uncertain significance for Fanconi anemia, group A. Last evaluated: 2020-07-13. Review status: no assertion criteria provided. Collection method: clinical testing. Allele origin: germline. Not counted in ClinVar's aggregate classification.

NM_000135.4(FANCA):c.3230T>A (p.Met1077Lys)

Gene: FANCA (FA complementation group A; minus strand). Cytogenetic location: 16q24.3.
Variant type: single nucleotide variant.
Coding change: c.3230T>A on transcript NM_000135.4 (MANE Select); coding-DNA position 3230, T replaced by A.
Protein change: p.Met1077Lys; replaces methionine 1077 with lysine.
Molecular consequence: missense variant.
Genome position (GRCh38, 1-based): chr16:89,749,739, A>T on the plus strand (T>A on the coding strand, the complement: FANCA is on the minus strand). VCF-style: chr16-89749739-A-T. GRCh37 (hg19) VCF-style: chr16-89816147-A-T.
Other names: c.3230T>A, p.Met1077Lys (NM_001286167.3); c.3230T>A (LRG_495t1, NM_000135.3); short protein forms M1077K.
Identifiers: ClinVar variation 579909 (VCV000579909.13), dbSNP rs776603588, ClinGen allele CA8251288.